The following is an entry in ClinVar:

NM_177438.3(DICER1):c.3778G>C (p.Val1260Leu)

Gene: DICER1 (dicer 1, ribonuclease III; minus strand). Cytogenetic location: 14q32.13.
Variant type: single nucleotide variant.
Coding change: c.3778G>C on transcript NM_177438.3 (MANE Select); coding-DNA position 3778, G replaced by C.
Protein change: p.Val1260Leu; replaces valine 1260 with leucine.
Molecular consequence: missense variant.
Genome position (GRCh38, 1-based): chr14:95,103,618, C>G on the plus strand (G>C on the coding strand, the complement: DICER1 is on the minus strand). VCF-style: chr14-95103618-C-G. GRCh37 (hg19) VCF-style: chr14-95569955-C-G.
Other names: c.3778G>C, p.Val1260Leu (NM_001195573.1, NM_001271282.3, NM_001291628.2 and 1 more transcripts); short protein forms V1260L.
Identifiers: ClinVar variation 824196 (VCV000824196.7), dbSNP rs763425076, ClinGen allele CA390873513.

ClinVar aggregate classification (germline): Uncertain significance. Review status: criteria provided, multiple submitters, no conflicts (2 of 4 stars). 2 submissions from 2 submitters: Uncertain significance (2). Last evaluated 2023-02-28.

Conditions:
DICER1-related tumor predisposition. Also called: DICER1-related pleuropulmonary blastoma cancer predisposition syndrome; DICER1 syndrome. Identifiers: Orphanet 284343, MedGen C3839822, MONDO:0100216.
Hereditary cancer-predisposing syndrome. Also called: Neoplastic Syndromes, Hereditary; Hereditary Cancer Syndrome; Hereditary neoplastic syndrome; Tumor predisposition. Identifiers: Orphanet 140162, MedGen C0027672, MeSH D009386, MONDO:0015356.

gnomAD v4.1: 1 of 1,614,192 alleles (0.000062%); highest among the groups gnomAD compares: Non-Finnish European, 0.000085%; no homozygotes.

Submissions (2):

Labcorp Genetics (formerly Invitae), Labcorp
Classification: Uncertain significance for DICER1-related tumor predisposition. Last evaluated: 2023-02-28. Review status: criteria provided, single submitter. Criteria: Invitae Variant Classification Sherloc (09022015). Collection method: clinical testing. Allele origin: germline.
Comment: In summary, the available evidence is currently insufficient to determine the role of this variant in disease. Therefore, it has been classified as a Variant of Uncertain Significance. Advanced modeling of protein sequence and biophysical properties (such as structural, functional, and spatial information, amino acid conservation, physicochemical variation, residue mobility, and thermodynamic stability) performed at Invitae indicates that this missense variant is not expected to disrupt DICER1 protein function. ClinVar contains an entry for this variant (Variation ID: 824196). This variant has not been reported in the literature in individuals affected with DICER1-related conditions. This variant is not present in population databases (gnomAD no frequency). This sequence change replaces valine, which is neutral and non-polar, with leucine, which is neutral and non-polar, at codon 1260 of the DICER1 protein (p.Val1260Leu).

Ambry Genetics
Classification: Uncertain significance for Hereditary cancer-predisposing syndrome. Last evaluated: 2018-03-09. Review status: criteria provided, single submitter. Criteria: Ambry Variant Classification Scheme 2023. Collection method: clinical testing. Allele origin: germline.
Comment: The p.V1260L variant (also known as c.3778G>C), located in coding exon 20 of the DICER1 gene, results from a G to C substitution at nucleotide position 3778. The valine at codon 1260 is replaced by leucine, an amino acid with highly similar properties. This amino acid position is poorly conserved in available vertebrate species. In addition, this alteration is predicted to be tolerated by in silico analysis. Since supporting evidence is limited at this time, the clinical significance of this alteration remains unclear.